The following is an entry in ClinVar:

NM_022356.4(P3H1):c.1076G>A (p.Arg359His)

Gene: P3H1 (prolyl 3-hydroxylase 1; minus strand). Cytogenetic location: 1p34.2.
Variant type: single nucleotide variant.
Coding change: c.1076G>A on transcript NM_022356.4 (MANE Select); coding-DNA position 1076, G replaced by A.
Protein change: p.Arg359His; replaces arginine 359 with histidine.
Molecular consequence: missense variant.
Genome position (GRCh38, 1-based): chr1:42,757,787, C>T on the plus strand (G>A on the coding strand, the complement: P3H1 is on the minus strand). VCF-style: chr1-42757787-C-T. GRCh37 (hg19) VCF-style: chr1-43223458-C-T.
Other names: c.1076G>A (NM_022356.3); c.1076G>A, p.Arg359His (NM_001146289.2, NM_001243246.2); short protein forms R359H.
Identifiers: ClinVar variation 1037765 (VCV001037765.8), dbSNP rs559371057, ClinGen allele CA801988.

ClinVar aggregate classification (germline): Uncertain significance. Review status: criteria provided, multiple submitters, no conflicts (2 of 4 stars). 3 submissions from 3 submitters: Uncertain significance (3). Last evaluated 2025-12-03.

Conditions:
Inborn genetic diseases. Identifiers: MedGen C0950123, MeSH D030342.
Osteogenesis imperfecta type 8 (OI8). Identifiers: MedGen C1970458, MONDO:0012581, OMIM 610915.

Allele frequency attached by ClinVar (database versions not stated): TOPMed 0.00002; gnomAD 0.00003.
gnomAD v4.1: 58 of 1,614,102 alleles (0.0036%); highest among the groups gnomAD compares: East Asian, 0.033%; no homozygotes.

Submissions (3):

Women's Health and Genetics/Laboratory Corporation of America, LabCorp
Classification: Uncertain significance. Last evaluated: 2025-12-03. Review status: criteria provided, single submitter. Criteria: LabCorp Variant Classification Summary - May 2015. Collection method: clinical testing. Allele origin: germline.
Comment: Variant summary: P3H1 c.1076G>A (p.Arg359His) results in a non-conservative amino acid change in the encoded protein sequence. Algorithms developed to predict the effect of missense changes on protein structure and function are either unavailable or do not agree on the potential impact of this missense change. The variant allele was found at a frequency of 3.2e-05 in 251492 control chromosomes. The available data on variant occurrences in the general population are insufficient to allow any conclusion about variant significance. To our knowledge, no occurrence of c.1076G>A in individuals affected with P3H1-related conditions and no experimental evidence demonstrating its impact on protein function have been reported. ClinVar contains an entry for this variant (Variation ID: 1037765). Based on the evidence outlined above, the variant was classified as uncertain significance.

Ambry Genetics
Classification: Uncertain significance for Inborn genetic diseases. Last evaluated: 2025-08-20. Review status: criteria provided, single submitter. Criteria: Ambry Variant Classification Scheme 2023. Collection method: clinical testing. Allele origin: germline.

Labcorp Genetics (formerly Invitae), Labcorp
Classification: Uncertain significance for Osteogenesis imperfecta type 8. Last evaluated: 2022-08-05. Review status: criteria provided, single submitter. Criteria: Invitae Variant Classification Sherloc (09022015). Collection method: clinical testing. Allele origin: germline.
Comment: This sequence change replaces arginine, which is basic and polar, with histidine, which is basic and polar, at codon 359 of the P3H1 protein (p.Arg359His). This variant is present in population databases (rs559371057, gnomAD 0.01%). This variant has not been reported in the literature in individuals affected with P3H1-related conditions. ClinVar contains an entry for this variant (Variation ID: 1037765). Algorithms developed to predict the effect of missense changes on protein structure and function are either unavailable or do not agree on the potential impact of this missense change (SIFT: "Deleterious"; PolyPhen-2: "Probably Damaging"; Align-GVGD: "Class C0"). In summary, the available evidence is currently insufficient to determine the role of this variant in disease. Therefore, it has been classified as a Variant of Uncertain Significance.